The following is an entry in ClinVar:

ClinVar aggregate classification (germline): Uncertain significance. Review status: criteria provided, multiple submitters, no conflicts (2 of 4 stars). 2 submissions from 2 submitters: Uncertain significance (2). Last evaluated 2025-10-21.

Conditions:
Primary dilated cardiomyopathy (DCM). Also called: Dilated Cardiomyopathy. Identifiers: Orphanet 217604, MedGen C0007193, MeSH D002311, MONDO:0005021, HP:0001644. Inheritance: Various modes of inheritance.

gnomAD v4.1: 2 of 1,603,900 alleles (0.00012%); highest among the groups gnomAD compares: African/African-American, 0.0013%; no homozygotes.

Submissions (2):

Labcorp Genetics (formerly Invitae), Labcorp
Classification: Uncertain significance for Primary dilated cardiomyopathy. Last evaluated: 2025-10-21. Review status: criteria provided, single submitter. Criteria: Invitae Variant Classification Sherloc (09022015). Collection method: clinical testing. Allele origin: germline.
Comment: This sequence change replaces glutamic acid, which is acidic and polar, with lysine, which is basic and polar, at codon 396 of the NEBL protein (p.Glu396Lys). This variant is not present in population databases (gnomAD no frequency). This variant has not been reported in the literature in individuals affected with NEBL-related conditions. ClinVar contains an entry for this variant (Variation ID: 3673921). An algorithm developed to predict the effect of missense changes on protein structure and function (PolyPhen-2) suggests that this variant is likely to be tolerated. In summary, the available evidence is currently insufficient to determine the role of this variant in disease. Therefore, it has been classified as a Variant of Uncertain Significance.

Ambry Genetics
Classification: Uncertain significance. Last evaluated: 2025-08-28. Review status: criteria provided, single submitter. Criteria: Ambry Variant Classification Scheme 2023. Collection method: clinical testing. Allele origin: germline.
Comment: The p.E396K variant (also known as c.1186G>A), located in coding exon 12 of the NEBL gene, results from a G to A substitution at nucleotide position 1186. The glutamic acid at codon 396 is replaced by lysine, an amino acid with similar properties. This amino acid position is conserved. In addition, this alteration is predicted to be tolerated by in silico analysis. Based on the available evidence, the clinical significance of this variant remains unclear.

NM_006393.3(NEBL):c.1186G>A (p.Glu396Lys)

Gene: NEBL (nebulette; minus strand). Cytogenetic location: 10p12.31.
Variant type: single nucleotide variant.
Coding change: c.1186G>A on transcript NM_006393.3 (MANE Select); coding-DNA position 1186, G replaced by A.
Protein change: p.Glu396Lys; replaces glutamic acid 396 with lysine.
Molecular consequence: missense variant. On other transcripts: intron variant (9).
Genome position (GRCh38, 1-based): chr10:20,845,299, C>T on the plus strand (G>A on the coding strand, the complement: NEBL is on the minus strand). VCF-style: chr10-20845299-C-T. GRCh37 (hg19) VCF-style: chr10-21134228-C-T.
Other names: c.250-32359G>A (NM_001377326.1, NM_001377327.1, NM_001377328.1); c.358-32359G>A (NM_213569.2, NM_001173484.2, NM_001377322.1); c.301-32359G>A (NM_001377324.1); c.292-32359G>A (NM_001377325.1); c.310-32359G>A (NM_001377323.1); short protein forms E396K.
Identifiers: ClinVar variation 3673921 (VCV003673921.3).